The following is an entry in ClinVar:

NM_004211.5(SLC6A5):c.90C>A (p.Cys30Ter)

Gene: SLC6A5 (solute carrier family 6 member 5; plus strand). Cytogenetic location: 11p15.1.
Variant type: single nucleotide variant.
Coding change: c.90C>A on transcript NM_004211.5 (MANE Select); coding-DNA position 90, C replaced by A.
Protein change: p.Cys30Ter; replaces cysteine 30 with a stop codon.
Molecular consequence: nonsense. On other transcripts: 5 prime UTR variant (1).
Genome position (GRCh38, 1-based): chr11:20,601,215, C>A. VCF-style: chr11-20601215-C-A. GRCh37 (hg19) VCF-style: chr11-20622761-C-A.
Other names: c.-474C>A (NM_001318369.2); short protein forms C30*.
Identifiers: ClinVar variation 1458893 (VCV001458893.6), dbSNP rs186704689, ClinGen allele CA5920993.
Genomic context (GRCh38, chr11:20,601,215, plus strand): 5'-TAAACTGCCAGCCAACAGCCCGGAGGCGGCGGCGGCGCAGGGCCACCCGGATGGCCCATG[C>A]GCTCCCAGGACGAGCCCGGAGCAGGAGCTTCCCGCGGCTGCCGCCCCGCCGCCGCCACGT-3'

ClinVar aggregate classification (germline): Pathogenic (1 of 4 stars; one submission).

Conditions:
Hyperekplexia 3 (HKPX3). Also called: HYPEREKPLEXIA 3, AUTOSOMAL RECESSIVE; HYPEREKPLEXIA 3, AUTOSOMAL DOMINANT. Identifiers: Orphanet 3197, MedGen C3553288, MONDO:0013827, OMIM 614618.

Allele frequency attached by ClinVar (database versions not stated): gnomAD 0.00003 and 0.00005; TOPMed 0.00004; gnomAD exomes 0.00005; ExAC 0.00007; 1000 Genomes Project 30x 0.00016; 1000 Genomes Project 0.00020.
gnomAD v4.1: 85 of 1,582,232 alleles (0.0054%); highest among the groups gnomAD compares: South Asian, 0.014%; no homozygotes.

Submission:

Labcorp Genetics (formerly Invitae), Labcorp
Classification: Pathogenic for Hyperekplexia 3. Last evaluated: 2025-10-23. Review status: criteria provided, single submitter. Criteria: Invitae Variant Classification Sherloc (09022015). Collection method: clinical testing. Allele origin: germline.
Comment: This sequence change creates a premature translational stop signal (p.Cys30*) in the SLC6A5 gene. It is expected to result in an absent or disrupted protein product. Loss-of-function variants in SLC6A5 are known to be pathogenic (PMID: 14622583, 16751771, 22700964). This variant is present in population databases (rs186704689, gnomAD 0.01%). This variant has not been reported in the literature in individuals affected with SLC6A5-related conditions. ClinVar contains an entry for this variant (Variation ID: 1458893). For these reasons, this variant has been classified as Pathogenic.

Literature cited by the submitters: PubMed 14622583; PubMed 16751771; PubMed 22700964.